The following is an entry in ClinVar:

NM_199420.4(POLQ):c.2129A>T (p.His710Leu)

Gene: POLQ (DNA polymerase theta; minus strand). Cytogenetic location: 3q13.33.
Variant type: single nucleotide variant.
Coding change: c.2129A>T on transcript NM_199420.4 (MANE Select); coding-DNA position 2129, A replaced by T.
Protein change: p.His710Leu; replaces histidine 710 with leucine.
Molecular consequence: missense variant.
Genome position (GRCh38, 1-based): chr3:121,498,501, T>A on the plus strand (A>T on the coding strand, the complement: POLQ is on the minus strand). VCF-style: chr3-121498501-T-A. GRCh37 (hg19) VCF-style: chr3-121217348-T-A.
Other names: short protein forms H710L.
Identifiers: ClinVar variation 1786355 (VCV001786355.4), dbSNP rs748072643, ClinGen allele CA2563370.

ClinVar aggregate classification (germline): Uncertain significance (1 of 4 stars; one submission).

Allele frequency attached by ClinVar (database versions not stated): gnomAD exomes 0.00004; ExAC 0.00011.
gnomAD v4.1: 65 of 1,613,910 alleles (0.004%); highest among the groups gnomAD compares: South Asian, 0.061%; no homozygotes.

Submission:

Ambry Genetics
Classification: Uncertain significance. Last evaluated: 2024-09-30. Review status: criteria provided, single submitter. Criteria: Ambry Variant Classification Scheme 2023. Collection method: clinical testing. Allele origin: germline.
Comment: The p.H710L variant (also known as c.2129A>T), located in coding exon 13 of the POLQ gene, results from an A to T substitution at nucleotide position 2129. The histidine at codon 710 is replaced by leucine, an amino acid with similar properties. This amino acid position is conserved. In addition, this alteration is predicted to be tolerated by in silico analysis. Since supporting evidence is limited at this time, the clinical significance of this alteration remains unclear.